The following is an entry in ClinVar:

ClinVar aggregate classification (germline): Benign/Likely benign. Review status: criteria provided, multiple submitters, no conflicts (2 of 4 stars). 14 submissions from 11 submitters: Benign (11); Likely benign (3). Last evaluated 2026-01-27.

Conditions:
Autosomal recessive limb-girdle muscular dystrophy type 2J (LGMDR10). Also called: Limb-girdle muscular dystrophy, type 2J; MUSCULAR DYSTROPHY, LIMB-GIRDLE, AUTOSOMAL RECESSIVE 10. Identifiers: Orphanet 140922, MedGen C1837342, MONDO:0012127, OMIM 608807.
Dilated cardiomyopathy 1G (CMD1G). Identifiers: Orphanet 154, MedGen C1858763, MONDO:0011400, OMIM 604145.
Cardiomyopathy (CMYO). Also called: Cardiomyopathies. Identifiers: Orphanet 167848, MedGen C0878544, MONDO:0004994, HP:0001638. Inheritance: Various modes of inheritance.
Early-onset myopathy with fatal cardiomyopathy (CMYO5). Also called: Salih Myopathy; CONGENITAL MYOPATHY 5 WITH CARDIOMYOPATHY. Identifiers: Orphanet 289377, MedGen C2673677, MONDO:0012714, OMIM 611705. Disease mechanism: loss of function.
Myopathy, myofibrillar, 9, with early respiratory failure (MFM9). Also called: Hereditary myopathy with early respiratory failure; EDSTROM MYOPATHY; MYOPATHY, PROXIMAL, WITH EARLY RESPIRATORY MUSCLE INVOLVEMENT; Myopathy, distal, with early respiratory failure, autosomal dominant. Identifiers: Orphanet 178464, Orphanet 34521, MedGen C1863599, MONDO:0011362, OMIM 603689.
Tibial muscular dystrophy (TMD). Also called: UDD MYOPATHY; Udd Distal Myopathy – Tibial Muscular Dystrophy; Tibial muscular dystrophy, tardive. Identifiers: Orphanet 609, MedGen C1838244, MONDO:0010870, OMIM 600334.

Allele frequency attached by ClinVar (database versions not stated): gnomAD exomes 0.00009 and 0.00027; ExAC 0.00034; gnomAD 0.00086 and 0.00089; TOPMed 0.00101; 1000 Genomes Project 0.00120; 1000 Genomes Project 30x 0.00141; ESP Exome Variant Server 0.00151.
gnomAD v4.1: 275 of 1,613,694 alleles (0.017%); highest among the groups gnomAD compares: African/African-American, 0.28%; no homozygotes.

Submissions (14):

Labcorp Genetics (formerly Invitae), Labcorp
Classification: Benign for Dilated cardiomyopathy 1G; Autosomal recessive limb-girdle muscular dystrophy type 2J. Last evaluated: 2026-01-27. Review status: criteria provided, single submitter. Criteria: Invitae Variant Classification Sherloc (09022015). Collection method: clinical testing. Allele origin: germline.

Molecular Diagnostic Laboratory for Inherited Cardiovascular Disease, Montreal Heart Institute
Classification: Benign. Last evaluated: 2025-04-09. Review status: criteria provided, single submitter. Criteria: ACMG Guidelines, 2015. Collection method: clinical testing. Allele origin: germline. Affected: no.
Comment: BS1;BP6;BP7

Women's Health and Genetics/Laboratory Corporation of America, LabCorp
Classification: Likely benign. Last evaluated: 2025-02-24. Review status: criteria provided, single submitter. Criteria: LabCorp Variant Classification Summary - May 2015. Collection method: clinical testing. Allele origin: germline.

Blueprint Genetics
Classification: Likely benign. Last evaluated: 2024-11-11. Review status: criteria provided, single submitter. Criteria: ACMG Guidelines, 2015. Collection method: clinical testing. Allele origin: germline.

Genome-Nilou Lab
Classification: Benign for Autosomal recessive limb-girdle muscular dystrophy type 2J. Last evaluated: 2021-09-10. Review status: criteria provided, single submitter. Criteria: ACMG Guidelines, 2015. Collection method: clinical testing. Allele origin: germline. Affected: no.

Genome-Nilou Lab
Classification: Benign for Myopathy, myofibrillar, 9, with early respiratory failure. Last evaluated: 2021-09-10. Review status: criteria provided, single submitter. Criteria: ACMG Guidelines, 2015. Collection method: clinical testing. Allele origin: germline. Affected: no.

Genome-Nilou Lab
Classification: Benign for Early-onset myopathy with fatal cardiomyopathy. Last evaluated: 2021-09-10. Review status: criteria provided, single submitter. Criteria: ACMG Guidelines, 2015. Collection method: clinical testing. Allele origin: germline. Affected: no.

Genome-Nilou Lab
Classification: Benign for Tibial muscular dystrophy. Last evaluated: 2021-09-10. Review status: criteria provided, single submitter. Criteria: ACMG Guidelines, 2015. Collection method: clinical testing. Allele origin: germline. Affected: no.

ARUP Laboratories, Molecular Genetics and Genomics, ARUP Laboratories
Classification: Benign. Last evaluated: 2021-07-10. Review status: criteria provided, single submitter. Criteria: ARUP Molecular Germline Variant Investigation Process 2021. Collection method: clinical testing. Allele origin: germline.

CHEO Genetics Diagnostic Laboratory, Children's Hospital of Eastern Ontario
Classification: Benign for Cardiomyopathy. Last evaluated: 2018-04-12. Review status: criteria provided, single submitter. Criteria: ACMG Guidelines, 2015. Collection method: clinical testing. Allele origin: germline.

Athena Diagnostics
Classification: Benign. Last evaluated: 2016-10-28. Review status: criteria provided, single submitter. Criteria: Athena Diagnostics Criteria. Collection method: clinical testing. Allele origin: germline.

GeneDx
Classification: Benign. Last evaluated: 2016-04-13. Review status: criteria provided, single submitter. Criteria: GeneDx Variant Classification (06012015). Collection method: clinical testing. Allele origin: germline. Affected: yes.
Comment: This variant is considered likely benign or benign based on one or more of the following criteria: it is a conservative change, it occurs at a poorly conserved position in the protein, it is predicted to be benign by multiple in silico algorithms, and/or has population frequency not consistent with disease.

Eurofins Ntd Llc (ga)
Classification: Likely benign. Last evaluated: 2015-08-21. Review status: criteria provided, single submitter. Criteria: EGL Classification Definitions 2015. Collection method: clinical testing. Allele origin: germline. Observed: 2 variant alleles, 2 heterozygotes.

Laboratory for Molecular Medicine, Mass General Brigham Personalized Medicine
Classification: Benign. Last evaluated: 2012-01-24. Review status: criteria provided, single submitter. Criteria: LMM Criteria. Collection method: clinical testing. Allele origin: germline. Observed: 2 variant alleles.

NM_001267550.2(TTN):c.15906C>T (p.Val5302=)

Gene: TTN (titin; minus strand). Cytogenetic location: 2q31.2.
Variant type: single nucleotide variant.
Coding change: c.15906C>T on transcript NM_001267550.2 (MANE Select); coding-DNA position 15906, C replaced by T.
Protein change: p.Val5302=; no amino-acid change (valine 5302 retained).
Molecular consequence: synonymous variant. On other transcripts: intron variant (3).
Genome position (GRCh38, 1-based): chr2:178,733,387, G>A on the plus strand (C>T on the coding strand, the complement: TTN is on the minus strand). VCF-style: chr2-178733387-G-A. GRCh37 (hg19) VCF-style: chr2-179598114-G-A.
Other names: c.14955C>T, p.Val4985= (NM_001256850.1); c.12174C>T, p.Val4058= (NM_133378.4); c.13282+4695C>T (NM_003319.4); c.13858+4695C>T (NM_133437.4); c.13657+4695C>T (NM_133432.3).
Identifiers: ClinVar variation 46609 (VCV000046609.33), dbSNP rs375179152, ClinGen allele CA138750.